The following is an entry in ClinVar:

ClinVar aggregate classification (germline): Uncertain significance (1 of 4 stars; one submission).

Conditions:
SEMA3G-related disorder. Also called: SEMA3G-related condition.

Submission:

PreventionGenetics, part of Exact Sciences
Classification: Uncertain significance for SEMA3G-related condition. Last evaluated: 2026-08-02. Review status: criteria provided, single submitter. Criteria: ACMG Guidelines, 2015. Collection method: clinical testing. Allele origin: germline.
Comment: The SEMA3G c.1540_1560dup21 variant is predicted to result in an in-frame duplication (p.Val514_His520dup). To our knowledge, this variant has not been reported in the literature. This variant is reported in 0.0036% of alleles in individuals of European (Non-Finnish) descent in gnomAD. At this time, the clinical significance of this variant is uncertain due to the absence of conclusive functional and genetic evidence.

NM_020163.3(SEMA3G):c.1540_1560dup (p.His520_Gln521insValAlaGlnLeuArgLeuHis)

Gene: SEMA3G (semaphorin 3G; minus strand). Cytogenetic location: 3p21.1.
Variant type: Duplication.
Coding change: c.1540_1560dup on transcript NM_020163.3 (MANE Select); coding-DNA positions 1540 to 1560, 21 bases duplicated (GTGGCCCAGCTGCGGCTGCAC).
Protein change: p.His520_Gln521insValAlaGlnLeuArgLeuHis.
Molecular consequence: inframe insertion.
Genome position (GRCh38, 1-based): chr3:52,438,149-52,438,169, GTGCAGCCGCAGCTGGGCCAC duplicated on the plus strand (GTGGCCCAGCTGCGGCTGCAC on the coding strand, the reverse complement: SEMA3G is on the minus strand). VCF-style (leftmost placement, unchanged base first): chr3-52438148-G-GGTGCAGCCGCAGCTGGGCCAC. GRCh37 (hg19) VCF-style: chr3-52472164-G-GGTGCAGCCGCAGCTGGGCCAC.
Identifiers: ClinVar variation 4980066 (VCV004980066.1).